The following is an entry in ClinVar:

ClinVar aggregate classification (germline): Pathogenic (1 of 4 stars; one submission).

Conditions:
Nemaline myopathy 2 (NEM2). Also called: Nemaline myopathy 2, autosomal recessive. Identifiers: MedGen C1850569, MONDO:0009725, OMIM 256030.

Submission:

Labcorp Genetics (formerly Invitae), Labcorp
Classification: Pathogenic for Nemaline myopathy 2. Last evaluated: 2023-06-23. Review status: criteria provided, single submitter. Criteria: Invitae Variant Classification Sherloc (09022015). Collection method: clinical testing. Allele origin: germline.
Comment: This sequence change creates a premature translational stop signal (p.Gln4383Argfs*4) in the NEB gene. It is expected to result in an absent or disrupted protein product. Loss-of-function variants in NEB are known to be pathogenic (PMID: 25205138). The frequency data for this variant in the population databases (gnomAD) is considered unreliable due to the presence of homologous sequence, such as pseudogenes or paralogs, in the genome. This variant has not been reported in the literature in individuals affected with NEB-related conditions. For these reasons, this variant has been classified as Pathogenic. This variant occurs in a region of NEB (Exons 82-105) consisting of three highly homologous 8-exon repeat units (exons 82-89, exons 90-97, exons 98-105). Sequence variants in this region can be detected, but this assay cannot determine which of the three repeat units is affected, and zygosity is often ambiguous. All variants in this region are reported relative to the exon 82-89 repeat.

Literature cited by the submitters: PubMed 25205138.

NM_001164508.2(NEB):c.13148del (p.Gln4383fs)

Gene: NEB (nebulin; minus strand). Cytogenetic location: 2q23.3.
Variant type: Deletion.
Coding change: c.13148del on transcript NM_001164508.2 (MANE Select); coding-DNA position 13148, one base deleted (A; older notation c.13148delA).
Protein change: p.Gln4383fs; shifts the reading frame from glutamine 4383.
Molecular consequence: frameshift variant. On other transcripts: intron variant (1).
Genome position (GRCh38, 1-based): chr2:151,603,684, T deleted on the plus strand (A on the coding strand, the reverse complement: NEB is on the minus strand). VCF-style (leftmost placement, unchanged base first): chr2-151603683-CT-C. GRCh37 (hg19) VCF-style: chr2-152460197-CT-C.
Other names: c.13148del, p.Gln4383fs (NM_001164507.2, NM_001271208.2); c.11601+6125del (NM_004543.5); short protein forms Q4383fs.
Identifiers: ClinVar variation 2854097 (VCV002854097.3), dbSNP rs2552222723, ClinGen allele CA2739271368.